The following is an entry in ClinVar:

NM_003384.3(VRK1):c.614G>A (p.Cys205Tyr)

Gene: VRK1 (VRK serine/threonine kinase 1; plus strand). Cytogenetic location: 14q32.2.
Variant type: single nucleotide variant.
Coding change: c.614G>A on transcript NM_003384.3 (MANE Select); coding-DNA position 614, G replaced by A.
Protein change: p.Cys205Tyr; replaces cysteine 205 with tyrosine.
Molecular consequence: missense variant.
Genome position (GRCh38, 1-based): chr14:96,855,261, G>A. VCF-style: chr14-96855261-G-A. GRCh37 (hg19) VCF-style: chr14-97321598-G-A.
Other names: c.614G>A, p.Cys205Tyr (NM_001411051.1, NM_001411053.1); short protein forms C205Y.
Identifiers: ClinVar variation 4537046 (VCV004537046.1).
Genomic context (GRCh38, chr14:96,855,261, plus strand): 5'-TCTTGGTGCTTGGAAATTTATAGGTGTACTTGGTAGATTATGGCCTTGCTTATCGGTACT[G>A]CCCAGAAGGAGTTCATAAAGAATACAAAGAAGACCCCAAAAGATGTCACGATGGCACTAT-3'
Protein context (NP_003375.1, residues 195-215): LVDYGLAYRY[Cys205Tyr]PEGVHKEYKE

ClinVar aggregate classification (germline): Uncertain significance (1 of 4 stars; one submission).

Submission:

Women's Health and Genetics/Laboratory Corporation of America, LabCorp
Classification: Uncertain significance. Last evaluated: 2025-11-05. Review status: criteria provided, single submitter. Criteria: LabCorp Variant Classification Summary - May 2015. Collection method: clinical testing. Allele origin: germline.
Comment: Variant summary: VRK1 c.614G>A (p.Cys205Tyr) results in a non-conservative amino acid change in the encoded protein sequence. Algorithms developed to predict the effect of missense changes on protein structure and function are either unavailable or do not agree on the potential impact of this missense change. The variant was absent in 251386 control chromosomes. The available data on variant occurrences in the general population are insufficient to allow any conclusion about variant significance. c.614G>A has been observed in unknown phase with a VUS in at least 1 individual(s) affected with clinical features of Pontocerebellar Hypoplasia, Type 1A (example, Link_2019). These data do not allow any conclusion about variant significance. To our knowledge, no experimental evidence demonstrating an impact on protein function has been reported. The following publications have been ascertained in the context of this evaluation (PMID: 31735666, 29937994). No submitters have cited clinical-significance assessments for this variant to ClinVar. Based on the evidence outlined above, the variant was classified as uncertain significance.

Literature cited by the submitters: PubMed 31735666; PubMed 29937994.